The following is an entry in ClinVar:

ClinVar aggregate classification (germline): Uncertain significance (1 of 4 stars; one submission).

Submission:

Women's Health and Genetics/Laboratory Corporation of America, LabCorp
Classification: Uncertain significance. Last evaluated: 2025-09-23. Review status: criteria provided, single submitter. Criteria: LabCorp Variant Classification Summary - May 2015. Collection method: clinical testing. Allele origin: germline.
Comment: Variant summary: HBB c.240C>A (p.Asp80Glu), also known as Hb Kalundborg, results in a conservative amino acid change in the encoded protein sequence. Algorithms developed to predict the effect of missense changes on protein structure and function are either unavailable or do not agree on the potential impact of this missense change. The variant was absent in 251438 control chromosomes. The available data on variant occurrences in the general population are insufficient to allow any conclusion about variant significance. c.240C>A has been observed at a heterozygous state in an individual without clinical significance (Ahmad-Nielsen_2022). These report(s) do not provide unequivocal conclusions about association of the variant with Beta Thalassemia. To our knowledge, no experimental evidence demonstrating an impact on protein function has been reported. The following publication has been ascertained in the context of this evaluation (PMID: 35920343). No submitters have cited clinical-significance assessments for this variant to ClinVar. Based on the evidence outlined above, the variant was classified as uncertain significance.

Literature cited by the submitters: PubMed 35920343.

NM_000518.5(HBB):c.240C>A (p.Asp80Glu)

Genes: HBB (hemoglobin subunit beta; minus strand), LOC106099062 (HBB recombination region; plus strand), LOC107133510 (origin of replication at HBB; plus strand). Cytogenetic location: 11p15.4.
Variant type: single nucleotide variant.
Coding change: c.240C>A on transcript NM_000518.5 (MANE Select); coding-DNA position 240, C replaced by A.
Protein change: p.Asp80Glu; replaces aspartic acid 80 with glutamic acid.
Molecular consequence: missense variant.
Genome position (GRCh38, 1-based): chr11:5,226,652, G>T on the plus strand (C>A on the coding strand, the complement: HBB is on the minus strand). VCF-style: chr11-5226652-G-T. GRCh37 (hg19) VCF-style: chr11-5247882-G-T.
Other names: short protein forms D80E.
Identifiers: ClinVar variation 4536042 (VCV004536042.1).